The following is an entry in ClinVar:

ClinVar aggregate classification (germline): Uncertain significance. Review status: criteria provided, multiple submitters, no conflicts (2 of 4 stars). 2 submissions from 2 submitters: Uncertain significance (2). Last evaluated 2025-11-10.

Conditions:
Inborn genetic diseases. Identifiers: MedGen C0950123, MeSH D030342.

Submissions (2):

Labcorp Genetics (formerly Invitae), Labcorp
Classification: Uncertain significance. Last evaluated: 2025-11-10. Review status: criteria provided, single submitter. Criteria: Invitae Variant Classification Sherloc (09022015). Collection method: clinical testing. Allele origin: germline.
Comment: This sequence change replaces alanine, which is neutral and non-polar, with threonine, which is neutral and polar, at codon 2078 of the PIEZO2 protein (p.Ala2078Thr). This variant is present in population databases (rs777548466, gnomAD 0.02%). This variant has not been reported in the literature in individuals affected with PIEZO2-related conditions. ClinVar contains an entry for this variant (Variation ID: 3932128). Invitae Evidence Modeling of protein sequence and biophysical properties (such as structural, functional, and spatial information, amino acid conservation, physicochemical variation, residue mobility, and thermodynamic stability) indicates that this missense variant is not expected to disrupt PIEZO2 protein function with a negative predictive value of 95%. In summary, the available evidence is currently insufficient to determine the role of this variant in disease. Therefore, it has been classified as a Variant of Uncertain Significance.

Ambry Genetics
Classification: Uncertain significance for Inborn genetic diseases. Last evaluated: 2025-04-08. Review status: criteria provided, single submitter. Criteria: Ambry Variant Classification Scheme 2023. Collection method: clinical testing. Allele origin: germline.

NM_001378183.1(PIEZO2):c.6571G>A (p.Ala2191Thr)

Gene: PIEZO2 (piezo type mechanosensitive ion channel component 2; minus strand). Cytogenetic location: 18p11.22.
Variant type: single nucleotide variant.
Coding change: c.6571G>A on transcript NM_001378183.1 (MANE Select); coding-DNA position 6571, G replaced by A.
Protein change: p.Ala2191Thr; replaces alanine 2191 with threonine.
Molecular consequence: missense variant.
Genome position (GRCh38, 1-based): chr18:10,699,048, C>T on the plus strand (G>A on the coding strand, the complement: PIEZO2 is on the minus strand). VCF-style: chr18-10699048-C-T. GRCh37 (hg19) VCF-style: chr18-10699046-C-T.
Other names: c.6307G>A, p.Ala2103Thr (NM_001410871.1); c.6232G>A, p.Ala2078Thr (NM_022068.4); short protein forms A2191T, A2103T, A2078T.
Identifiers: ClinVar variation 3932128 (VCV003932128.2).